The following is an entry in ClinVar:

ClinVar aggregate classification (germline): Likely benign. Review status: criteria provided, multiple submitters, no conflicts (2 of 4 stars). 5 submissions from 5 submitters: Likely benign (5). Last evaluated 2026-02-01.

Conditions:
Charcot-Marie-Tooth disease type 4B3. Also called: Charcot-Marie-Tooth Neuropathy Type 4B3; CHARCOT-MARIE-TOOTH DISEASE, DEMYELINATING, TYPE 4B3. Identifiers: Orphanet 363981, MedGen C3695063, MONDO:0014117, OMIM 615284.

Allele frequency attached by ClinVar (database versions not stated): ESP Exome Variant Server 0.00032; TOPMed 0.00037; gnomAD 0.00039 and 0.00055; gnomAD exomes 0.00075 and 0.00099; ExAC 0.00110; 1000 Genomes Project 0.00140; 1000 Genomes Project 30x 0.00141.

Submissions (5):

Labcorp Genetics (formerly Invitae), Labcorp
Classification: Likely benign. Last evaluated: 2026-02-01. Review status: criteria provided, single submitter. Criteria: Invitae Variant Classification Sherloc (09022015). Collection method: clinical testing. Allele origin: germline.

CeGaT Center for Human Genetics Tuebingen
Classification: Likely benign. Last evaluated: 2025-11-01. Review status: criteria provided, single submitter. Criteria: CeGaT Center For Human Genetics Tuebingen Variant Classification Criteria Version 2. Collection method: clinical testing. Allele origin: germline. Affected: yes. Observed: 8 variant alleles.
Comment: SBF1: BP4, BS2

Blueprint Genetics
Classification: Likely benign. Last evaluated: 2024-11-26. Review status: criteria provided, single submitter. Criteria: ACMG Guidelines, 2015. Collection method: clinical testing. Allele origin: germline.

ARUP Laboratories, Molecular Genetics and Genomics, ARUP Laboratories
Classification: Likely benign for Charcot-Marie-Tooth disease type 4B3. Last evaluated: 2021-08-13. Review status: criteria provided, single submitter. Criteria: ARUP Molecular Germline Variant Investigation Process 2021. Collection method: clinical testing. Allele origin: germline.

GeneDx
Classification: Likely benign. Last evaluated: 2019-11-07. Review status: criteria provided, single submitter. Criteria: GeneDx Variant Classification Process June 2021. Collection method: clinical testing. Allele origin: germline. Affected: yes.

NM_002972.4(SBF1):c.2569+4C>T

Gene: SBF1 (SET binding factor 1; minus strand). Cytogenetic location: 22q13.33.
Variant type: single nucleotide variant.
Coding change: c.2569+4C>T on transcript NM_002972.4 (MANE Select); 4 bases into the intron after coding-DNA position 2569, C replaced by T.
Molecular consequence: intron variant.
Genome position (GRCh38, 1-based): chr22:50,461,943, G>A on the plus strand (C>T on the coding strand, the complement: SBF1 is on the minus strand). VCF-style: chr22-50461943-G-A. GRCh37 (hg19) VCF-style: chr22-50900372-G-A.
Other names: c.2572+4C>T (NM_001365819.1).
Identifiers: ClinVar variation 624001 (VCV000624001.62), dbSNP rs200379541, ClinGen allele CA10317175.